The following is an entry in ClinVar:

ClinVar aggregate classification (germline): Likely benign. Review status: criteria provided, single submitter (1 of 4 stars). 2 submissions from 2 submitters: Likely benign (1). 1 of the submissions does not count toward it. Last evaluated 2024-01-01.

Conditions:
DAB1-related disorder. Also called: DAB1-related condition.

Allele frequency attached by ClinVar (database versions not stated): 1000 Genomes Project 0.00020; 1000 Genomes Project 30x 0.00031; gnomAD 0.00056; TOPMed 0.00056; ExAC 0.00057; ESP Exome Variant Server 0.00092; gnomAD exomes 0.00097.
gnomAD v4.1: 1,474 of 1,612,552 alleles (0.091%); highest among the groups gnomAD compares: Non-Finnish European, 0.11%; 1 homozygote.

Submissions (2):

CeGaT Center for Human Genetics Tuebingen
Classification: Likely benign. Last evaluated: 2024-01-01. Review status: criteria provided, single submitter. Criteria: CeGaT Center For Human Genetics Tuebingen Variant Classification Criteria Version 2. Collection method: clinical testing. Allele origin: germline. Affected: yes. Observed: 2 variant alleles.
Comment: DAB1: BP4

PreventionGenetics, part of Exact Sciences
Classification: Likely benign for DAB1-related condition. Last evaluated: 2019-05-13. Review status: no assertion criteria provided. Collection method: clinical testing. Allele origin: germline. Not counted in ClinVar's aggregate classification.
Comment: This variant is classified as likely benign based on ACMG/AMP sequence variant interpretation guidelines (Richards et al. 2015 PMID: 25741868, with internal and published modifications).

NM_001365792.1(DAB1):c.439-3C>T

Gene: DAB1 (DAB adaptor protein 1; minus strand). Cytogenetic location: 1p32.2.
Variant type: single nucleotide variant.
Coding change: c.439-3C>T on transcript NM_001365792.1 (MANE Select); 3 bases into the intron before coding-DNA position 439, C replaced by T.
Molecular consequence: intron variant.
Genome position (GRCh38, 1-based): chr1:57,071,644, G>A on the plus strand (C>T on the coding strand, the complement: DAB1 is on the minus strand). VCF-style: chr1-57071644-G-A. GRCh37 (hg19) VCF-style: chr1-57537317-G-A.
Other names: c.439-3C>T (NM_021080.3, NM_001379461.1, NM_021080.5 and 5 more transcripts).
Identifiers: ClinVar variation 2638844 (VCV002638844.25), dbSNP rs200624826, ClinGen allele CA876568.